The following is an entry in ClinVar:

NM_000136.3(FANCC):c.1187T>C (p.Leu396Pro)

Genes: AOPEP (aminopeptidase O (putative); plus strand), FANCC (FA complementation group C; minus strand). Cytogenetic location: 9q22.32.
Variant type: single nucleotide variant.
Coding change: c.1187T>C on transcript NM_000136.3 (MANE Select); coding-DNA position 1187, T replaced by C.
Protein change: p.Leu396Pro; replaces leucine 396 with proline.
Molecular consequence: missense variant.
Genome position (GRCh38, 1-based): chr9:95,111,605, A>G on the plus strand (T>C on the coding strand, the complement: FANCC is on the minus strand). VCF-style: chr9-95111605-A-G. GRCh37 (hg19) VCF-style: chr9-97873887-A-G.
Other names: c.1187T>C, p.Leu396Pro (NM_001243743.2, NM_001243744.2); short protein forms L396P.
Identifiers: ClinVar variation 4022435 (VCV004022435.1).
Genomic context (GRCh38, chr9:95,111,605, plus strand): 5'-GCTGCCGACATCAGTAATTGCTCTGCCACCATCTCAGCCCATCCTCCGAAGTGAATGAAC[A>G]GGAACCAGCTCTCAAAGGGACCTCCGCAGGACCTGGAACAGAGGCAGAACACATGGCAGT-3'
Protein context (NP_000127.2, residues 386-406): SCGGPFESWF[Leu396Pro]FIHFGGWAEM

ClinVar aggregate classification (germline): Uncertain significance (1 of 4 stars; one submission).

Conditions:
Hereditary cancer-predisposing syndrome. Also called: Tumor predisposition; Hereditary neoplastic syndrome; Neoplastic Syndromes, Hereditary; Hereditary Cancer Syndrome. Identifiers: Orphanet 140162, MedGen C0027672, MeSH D009386, MONDO:0015356.

Submission:

Ambry Genetics
Classification: Uncertain significance for Hereditary cancer-predisposing syndrome. Last evaluated: 2025-06-01. Review status: criteria provided, single submitter. Criteria: Ambry Variant Classification Scheme 2023. Collection method: clinical testing. Allele origin: germline.
Comment: The p.L396P variant (also known as c.1187T>C), located in coding exon 12 of the FANCC gene, results from a T to C substitution at nucleotide position 1187. The leucine at codon 396 is replaced by proline, an amino acid with similar properties. This amino acid position is conserved. In addition, this alteration is predicted to be deleterious by in silico analysis. Based on the available evidence, the clinical significance of this variant remains unclear.